The following is an entry in ClinVar:

NM_148960.3(CLDN19):c.201C>A (p.Tyr67Ter)

Gene: CLDN19 (claudin 19; minus strand). Cytogenetic location: 1p34.2.
Variant type: single nucleotide variant.
Coding change: c.201C>A on transcript NM_148960.3 (MANE Select); coding-DNA position 201, C replaced by A.
Protein change: p.Tyr67Ter; replaces tyrosine 67 with a stop codon.
Molecular consequence: nonsense.
Genome position (GRCh38, 1-based): chr1:42,739,863, G>T on the plus strand (C>A on the coding strand, the complement: CLDN19 is on the minus strand). VCF-style: chr1-42739863-G-T. GRCh37 (hg19) VCF-style: chr1-43205534-G-T.
Other names: c.201C>A, p.Tyr67Ter (NM_001123395.2, NM_001185117.2); short protein forms Y67*.
Identifiers: ClinVar variation 2747879 (VCV002747879.3), dbSNP rs746201648, ClinGen allele CA339947219.

ClinVar aggregate classification (germline): Pathogenic (1 of 4 stars; one submission).

Submission:

Labcorp Genetics (formerly Invitae), Labcorp
Classification: Pathogenic. Last evaluated: 2023-08-04. Review status: criteria provided, single submitter. Criteria: Invitae Variant Classification Sherloc (09022015). Collection method: clinical testing. Allele origin: germline.
Comment: This sequence change creates a premature translational stop signal (p.Tyr67*) in the CLDN19 gene. It is expected to result in an absent or disrupted protein product. Loss-of-function variants in CLDN19 are known to be pathogenic (PMID: 22422540). This variant is not present in population databases (gnomAD no frequency). For these reasons, this variant has been classified as Pathogenic. This variant has not been reported in the literature in individuals affected with CLDN19-related conditions.

Literature cited by the submitters: PubMed 22422540.